The following is an entry in ClinVar:

ClinVar aggregate classification (germline): Conflicting classifications of pathogenicity. Review status: criteria provided, conflicting classifications (1 of 4 stars). 2 submissions from 2 submitters: Uncertain significance (1); Likely benign (1). Last evaluated 2024-10-22.

Conditions:
Arthrogryposis, cleft palate, craniosynostosis, and impaired intellectual development. Identifiers: Orphanet 565858, MedGen C4748872, MONDO:0032642, OMIM 618265.
Developmental and epileptic encephalopathy 91. Also called: EPILEPTIC ENCEPHALOPATHY, INFANTILE OR EARLY CHILDHOOD, 1. Identifiers: MedGen C4540199, MONDO:0020630, OMIM 617711.

Allele frequency attached by ClinVar (database versions not stated): TOPMed 0.00001; ExAC 0.00005.
gnomAD v4.1: 42 of 1,611,782 alleles (0.0026%); highest among the groups gnomAD compares: East Asian, 0.045%; no homozygotes.

Submissions (2):

Labcorp Genetics (formerly Invitae), Labcorp
Classification: Uncertain significance. Last evaluated: 2024-10-22. Review status: criteria provided, single submitter. Criteria: Invitae Variant Classification Sherloc (09022015). Collection method: clinical testing. Allele origin: germline.
Comment: This sequence change replaces proline, which is neutral and non-polar, with threonine, which is neutral and polar, at codon 9 of the PPP3CA protein (p.Pro9Thr). This variant is present in population databases (rs746412506, gnomAD 0.008%). This variant has not been reported in the literature in individuals affected with PPP3CA-related conditions. ClinVar contains an entry for this variant (Variation ID: 1981080). An algorithm developed to predict the effect of missense changes on protein structure and function (PolyPhen-2) suggests that this variant is likely to be tolerated. In summary, the available evidence is currently insufficient to determine the role of this variant in disease. Therefore, it has been classified as a Variant of Uncertain Significance.

Fulgent Genetics
Classification: Likely benign for Developmental and epileptic encephalopathy 91; Arthrogryposis, cleft palate, craniosynostosis, and impaired intellectual development. Last evaluated: 2024-06-04. Review status: criteria provided, single submitter. Criteria: ACMG Guidelines, 2015. Collection method: clinical testing. Allele origin: germline.

NM_000944.5(PPP3CA):c.25C>A (p.Pro9Thr)

Gene: PPP3CA (protein phosphatase 3 catalytic subunit alpha; minus strand). Cytogenetic location: 4q24.
Variant type: single nucleotide variant.
Coding change: c.25C>A on transcript NM_000944.5 (MANE Select); coding-DNA position 25, C replaced by A.
Protein change: p.Pro9Thr; replaces proline 9 with threonine.
Molecular consequence: missense variant.
Genome position (GRCh38, 1-based): chr4:101,346,772, G>T on the plus strand (C>A on the coding strand, the complement: PPP3CA is on the minus strand). VCF-style: chr4-101346772-G-T. GRCh37 (hg19) VCF-style: chr4-102267929-G-T.
Other names: c.25C>A, p.Pro9Thr (NM_001130691.2, NM_001130692.2); short protein forms P9T.
Identifiers: ClinVar variation 1981080 (VCV001981080.5), dbSNP rs746412506, ClinGen allele CA3024646.